The following is an entry in ClinVar:

ClinVar aggregate classification (germline): Conflicting classifications of pathogenicity. Review status: criteria provided, conflicting classifications (1 of 4 stars). 2 submissions from 2 submitters: Uncertain significance (1); Likely benign (1). Last evaluated 2025-04-09.

Conditions:
Alpha thalassemia-X-linked intellectual disability syndrome (ATRX). Also called: ALPHA-THALASSEMIA/MENTAL RETARDATION SYNDROME, X-LINKED; ATR, NONDELETION TYPE; ATR-X syndrome; Alpha thalassemia mental retardation syndrome, nondeletion type, X-linked; XLMR hypotonic face syndrome; X-linked alpha-thalassemia-mental retardation syndrome. Identifiers: Orphanet 847, MedGen C1845055, MONDO:0010519, OMIM 301040.

Allele frequency attached by ClinVar (database versions not stated): ExAC 0.00001; gnomAD exomes below 0.00001 and 0.00001; TOPMed 0.00002; gnomAD 0.00001 and 0.00002.
gnomAD v4.1: 3 of 1,200,375 alleles (0.00025%); highest among the groups gnomAD compares: African/African-American, 0.0053%; no homozygotes.

Submissions (2):

Labcorp Genetics (formerly Invitae), Labcorp
Classification: Likely benign for Alpha thalassemia-X-linked intellectual disability syndrome. Last evaluated: 2025-04-09. Review status: criteria provided, single submitter. Criteria: Invitae Variant Classification Sherloc (09022015). Collection method: clinical testing. Allele origin: germline.

GeneDx
Classification: Uncertain significance. Last evaluated: 2023-07-12. Review status: criteria provided, single submitter. Criteria: GeneDx Variant Classification Process June 2021. Collection method: clinical testing. Allele origin: germline. Affected: yes.
Comment: Not observed at significant frequency in large population cohorts (gnomAD); In silico analysis supports that this missense variant does not alter protein structure/function; Has not been previously published as pathogenic or benign to our knowledge

NM_000489.6(ATRX):c.2953A>G (p.Ser985Gly)

Gene: ATRX (ATRX chromatin remodeler; minus strand). Cytogenetic location: Xq21.1.
Variant type: single nucleotide variant.
Coding change: c.2953A>G on transcript NM_000489.6 (MANE Select); coding-DNA position 2953, A replaced by G.
Protein change: p.Ser985Gly; replaces serine 985 with glycine.
Molecular consequence: missense variant.
Genome position (GRCh38, 1-based): chrX:77,682,303, T>C on the plus strand (A>G on the coding strand, the complement: ATRX is on the minus strand). VCF-style: chrX-77682303-T-C. GRCh37 (hg19) VCF-style: chrX-76937795-T-C.
Other names: c.2839A>G, p.Ser947Gly (NM_138270.5); short protein forms S947G, S985G.
Identifiers: ClinVar variation 1021320 (VCV001021320.11), dbSNP rs782424160, ClinGen allele CA10458014.
Genomic context (GRCh38, chrX:77,682,303, plus strand): 5'-TTTTAATTACTTTTTTCTTAAAGTCTGAAGGTTTCTTTTTTTCTTCAGTTCCCTTTTTGC[T>C]CTGCTTTTTATCATCTTCAGAAGTTTCATCGCTCTGGTCTTTCTTTAGGAATTTCTCTGC-3'
Protein context (NP_000480.3, residues 975-995): DETSEDDKKQ[Ser985Gly]KKGTEEKKKP